The following is an entry in ClinVar:

ClinVar aggregate classification (germline): Likely benign (1 of 4 stars; one submission).

Allele frequency attached by ClinVar (database versions not stated): gnomAD exomes below 0.00001 and 0.00002.
gnomAD v4.1: 23 of 1,613,622 alleles (0.0014%); highest among the groups gnomAD compares: South Asian, 0.0022%; no homozygotes.

Submission:

GeneDx
Classification: Likely benign. Last evaluated: 2018-05-17. Review status: criteria provided, single submitter. Criteria: GeneDx Variant Classification (06012015). Collection method: clinical testing. Allele origin: germline. Affected: yes.
Comment: This variant is considered likely benign or benign based on one or more of the following criteria: it is a conservative change, it occurs at a poorly conserved position in the protein, it is predicted to be benign by multiple in silico algorithms, and/or has population frequency not consistent with disease.

NM_018109.4(MTPAP):c.600A>G (p.Thr200=)

Gene: MTPAP (mitochondrial poly(A) polymerase; minus strand). Cytogenetic location: 10p11.23.
Variant type: single nucleotide variant.
Coding change: c.600A>G on transcript NM_018109.4 (MANE Select); coding-DNA position 600, A replaced by G.
Protein change: p.Thr200=; no amino-acid change (threonine 200 retained).
Molecular consequence: synonymous variant.
Genome position (GRCh38, 1-based): chr10:30,336,983, T>C on the plus strand (A>G on the coding strand, the complement: MTPAP is on the minus strand). VCF-style: chr10-30336983-T-C. GRCh37 (hg19) VCF-style: chr10-30625912-T-C.
Identifiers: ClinVar variation 682520 (VCV000682520.1), dbSNP rs1245875438, ClinGen allele CA468976761.